The following is an entry in ClinVar:

ClinVar aggregate classification (germline): Uncertain significance (1 of 4 stars; one submission).

Conditions:
Hereditary cancer-predisposing syndrome. Also called: Neoplastic Syndromes, Hereditary; Tumor predisposition; Hereditary Cancer Syndrome; Hereditary neoplastic syndrome. Identifiers: Orphanet 140162, MedGen C0027672, MeSH D009386, MONDO:0015356.

Allele frequency attached by ClinVar (database versions not stated): gnomAD exomes 0.00001 and below 0.00001; TOPMed 0.00001; ExAC 0.00001.
gnomAD v4.1: 2 of 1,612,382 alleles (0.00012%); highest among the groups gnomAD compares: African/African-American, 0.0027%; no homozygotes.

Submission:

Ambry Genetics
Classification: Uncertain significance for Hereditary cancer-predisposing syndrome. Last evaluated: 2014-12-26. Review status: criteria provided, single submitter. Criteria: Ambry Variant Classification Scheme 2023. Collection method: clinical testing. Allele origin: germline.
Comment: The p.A279T variant (also known as c.835G>A), located in coding exon 7 of the MRE11A gene, results from a G to A substitution at nucleotide position 835. The alanine at codon 279 is replaced by threonine, an amino acid with similar properties. This variant was previously reported in the SNPDatabase as rs147383852. This variant was not reported in population-based cohorts in the following databases: NHLBI Exome Sequencing Project (ESP) and 1000 Genomes Project. To date, this alteration has been detected with an allele frequency of approximately 0.003% (greater than 40000 alleles tested) in our clinical cohort. This amino acid position is highly conserved in available vertebrate species. In addition, this alteration is predicted to be tolerated by in silico analysis. Since supporting evidence is limited at this time, the clinical significance of p.A279T remains unclear.

NM_005591.4(MRE11):c.835G>A (p.Ala279Thr)

Gene: MRE11 (MRE11 double strand break repair nuclease; minus strand). Cytogenetic location: 11q21.
Variant type: single nucleotide variant.
Coding change: c.835G>A on transcript NM_005591.4 (MANE Select); coding-DNA position 835, G replaced by A.
Protein change: p.Ala279Thr; replaces alanine 279 with threonine.
Molecular consequence: missense variant.
Genome position (GRCh38, 1-based): chr11:94,471,584, C>T on the plus strand (G>A on the coding strand, the complement: MRE11 is on the minus strand). VCF-style: chr11-94471584-C-T. GRCh37 (hg19) VCF-style: chr11-94204750-C-T.
Other names: c.835G>A, p.Ala279Thr (NM_001330347.2, NM_005590.4); short protein forms A279T.
Identifiers: ClinVar variation 187591 (VCV000187591.5), dbSNP rs147383852, ClinGen allele CA198028.